The following is an entry in ClinVar:

ClinVar aggregate classification (germline): Uncertain significance. Review status: criteria provided, multiple submitters, no conflicts (2 of 4 stars). 3 submissions from 3 submitters: Uncertain significance (3). Last evaluated 2025-08-30.

Conditions:
Ehlers-Danlos syndrome, spondylodysplastic type, 3. Also called: Ehlers-Danlos syndrome, spondylocheirodysplastic type. Identifiers: Orphanet 157965, MedGen C2676510, MONDO:0012873, OMIM 612350.
Inborn genetic diseases. Identifiers: MedGen C0950123, MeSH D030342.

Allele frequency attached by ClinVar (database versions not stated): gnomAD exomes 0.00002; TOPMed 0.00002; gnomAD 0.00004 and 0.00003.
gnomAD v4.1: 40 of 1,614,088 alleles (0.0025%); highest among the groups gnomAD compares: Middle Eastern, 0.049%; no homozygotes.

Submissions (3):

Ambry Genetics
Classification: Uncertain significance for Inborn genetic diseases. Last evaluated: 2025-08-30. Review status: criteria provided, single submitter. Criteria: Ambry Variant Classification Scheme 2023. Collection method: clinical testing. Allele origin: germline.

Women's Health and Genetics/Laboratory Corporation of America, LabCorp
Classification: Uncertain significance. Last evaluated: 2025-05-19. Review status: criteria provided, single submitter. Criteria: LabCorp Variant Classification Summary - May 2015. Collection method: clinical testing. Allele origin: germline.
Comment: Variant summary: SLC39A13 c.491C>T (p.Ala164Val) results in a non-conservative amino acid change in the encoded protein sequence. Algorithms developed to predict the effect of missense changes on protein structure and function are either unavailable or do not agree on the potential impact of this missense change. The variant allele was found at a frequency of 2.3e-05 in 1607092 control chromosomes. This frequency is not significantly higher than estimated for a pathogenic variant in SLC39A13 causing Ehlers-Danlos syndrome, spondylocheirodysplastic type (2.3e-05 vs 0.0011), allowing no conclusion about variant significance. To our knowledge, no occurrence of c.491C>T in individuals affected with Ehlers-Danlos syndrome, spondylocheirodysplastic type and no experimental evidence demonstrating its impact on protein function have been reported. ClinVar contains an entry for this variant (Variation ID: 1397380). Based on the evidence outlined above, the variant was classified as uncertain significance.

Labcorp Genetics (formerly Invitae), Labcorp
Classification: Uncertain significance for Ehlers-Danlos syndrome, spondylodysplastic type, 3. Last evaluated: 2023-08-10. Review status: criteria provided, single submitter. Criteria: Invitae Variant Classification Sherloc (09022015). Collection method: clinical testing. Allele origin: germline.
Comment: Advanced modeling of protein sequence and biophysical properties (such as structural, functional, and spatial information, amino acid conservation, physicochemical variation, residue mobility, and thermodynamic stability) performed at Invitae indicates that this missense variant is not expected to disrupt SLC39A13 protein function. ClinVar contains an entry for this variant (Variation ID: 1397380). This variant has not been reported in the literature in individuals affected with SLC39A13-related conditions. This variant is present in population databases (no rsID available, gnomAD 0.006%). This sequence change replaces alanine, which is neutral and non-polar, with valine, which is neutral and non-polar, at codon 164 of the SLC39A13 protein (p.Ala164Val). In summary, the available evidence is currently insufficient to determine the role of this variant in disease. Therefore, it has been classified as a Variant of Uncertain Significance.

NM_001128225.3(SLC39A13):c.491C>T (p.Ala164Val)

Gene: SLC39A13 (solute carrier family 39 member 13; plus strand). Cytogenetic location: 11p11.2.
Variant type: single nucleotide variant.
Coding change: c.491C>T on transcript NM_001128225.3 (MANE Select); coding-DNA position 491, C replaced by T.
Protein change: p.Ala164Val; replaces alanine 164 with valine.
Molecular consequence: missense variant. On other transcripts: non-coding transcript variant (1).
Genome position (GRCh38, 1-based): chr11:47,412,421, C>T. VCF-style: chr11-47412421-C-T. GRCh37 (hg19) VCF-style: chr11-47433972-C-T.
Other names: c.491C>T (NM_152264.4); c.491C>T, p.Ala164Val (NM_001330245.2, NM_152264.5); short protein forms A164V.
Identifiers: ClinVar variation 1397380 (VCV001397380.9), dbSNP rs914512778, ClinGen allele CA221688779.
Genomic context (GRCh38, chr11:47,412,421, plus strand): 5'-GCCTGCAGCAGCAGCAACAGCTGGGGCTGTGGGTCATTGCTGGCATCCTGACCTTCCTGG[C>T]GTTGGAGAAGATGTTCCTGGACAGCAAGGAGGAGGGGACCAGCCAGGTGGGCCCCACACT-3'
Protein context (NP_001121697.2, residues 154-174): WVIAGILTFL[Ala164Val]LEKMFLDSKE